The following is an entry in ClinVar:

ClinVar aggregate classification (germline): Pathogenic (1 of 4 stars; one submission).

Submission:

Labcorp Genetics (formerly Invitae), Labcorp
Classification: Pathogenic. Last evaluated: 2022-10-03. Review status: criteria provided, single submitter. Criteria: Invitae Variant Classification Sherloc (09022015). Collection method: clinical testing. Allele origin: germline.
Comment: For these reasons, this variant has been classified as Pathogenic. This variant has not been reported in the literature in individuals affected with MCM3AP-related conditions. This variant is not present in population databases (gnomAD no frequency). This sequence change creates a premature translational stop signal (p.Ser577*) in the MCM3AP gene. It is expected to result in an absent or disrupted protein product. Loss-of-function variants in MCM3AP are known to be pathogenic (PMID: 28633435).

Literature cited by the submitters: PubMed 28633435.

NM_003906.5(MCM3AP):c.1730C>G (p.Ser577Ter)

Gene: MCM3AP (minichromosome maintenance complex component 3 associated protein; minus strand). Cytogenetic location: 21q22.3.
Variant type: single nucleotide variant.
Coding change: c.1730C>G on transcript NM_003906.5 (MANE Select); coding-DNA position 1730, C replaced by G.
Protein change: p.Ser577Ter; replaces serine 577 with a stop codon.
Molecular consequence: nonsense.
Genome position (GRCh38, 1-based): chr21:46,277,655, G>C on the plus strand (C>G on the coding strand, the complement: MCM3AP is on the minus strand). VCF-style: chr21-46277655-G-C. GRCh37 (hg19) VCF-style: chr21-47697569-G-C.
Other names: short protein forms S577*.
Identifiers: ClinVar variation 2098588 (VCV002098588.4), dbSNP rs2081272792, ClinGen allele CA410527822.